The following is an entry in ClinVar:

ClinVar aggregate classification (germline): Conflicting classifications of pathogenicity. Review status: criteria provided, conflicting classifications (1 of 4 stars). 3 submissions from 3 submitters: Uncertain significance (1); Likely benign (1). 1 of the submissions does not count toward it. Last evaluated 2025-10-20.

Conditions:
POLG-related disorder. Also called: POLG-Related Spectrum Disorders; POLG-related condition; POLG-Related Disorders. Identifiers: MedGen C4763519.
Progressive sclerosing poliodystrophy (MTDPS4A). Also called: Mitochondrial DNA depletion syndrome 4A (Alpers type); Mitochondrial DNA Depletion Syndrome 4A; Alpers Syndrome; ALPERS DIFFUSE DEGENERATION OF CEREBRAL GRAY MATTER WITH HEPATIC CIRRHOSIS; Alpers-Huttenlocher Syndrome; ALPERS PROGRESSIVE INFANTILE POLIODYSTROPHY. Identifiers: Orphanet 726, MedGen C0205710, MONDO:0008758, OMIM 203700.

Allele frequency attached by ClinVar (database versions not stated): gnomAD exomes below 0.00001 and 0.00002; TOPMed 0.00002.
gnomAD v4.1: 4 of 1,536,228 alleles (0.00026%); highest among the groups gnomAD compares: Admixed American, 0.0039%; no homozygotes.

Submissions (3):

Labcorp Genetics (formerly Invitae), Labcorp
Classification: Likely benign for Progressive sclerosing poliodystrophy. Last evaluated: 2025-10-20. Review status: criteria provided, single submitter. Criteria: Invitae Variant Classification Sherloc (09022015). Collection method: clinical testing. Allele origin: germline.

Eurofins Ntd Llc (ga)
Classification: Uncertain significance. Last evaluated: 2017-09-06. Review status: criteria provided, single submitter. Criteria: EGL Classification Definitions 2015. Collection method: clinical testing. Allele origin: germline. Observed: 1 variant allele, 1 heterozygote.

PreventionGenetics, part of Exact Sciences
Classification: Likely benign for POLG-related condition. Last evaluated: 2021-04-26. Review status: no assertion criteria provided. Collection method: clinical testing. Allele origin: germline. Not counted in ClinVar's aggregate classification.
Comment: This variant is classified as likely benign based on ACMG/AMP sequence variant interpretation guidelines (Richards et al. 2015 PMID: 25741868, with internal and published modifications).

NM_002693.3(POLG):c.33C>T (p.Gly11=)

Genes: POLG (DNA polymerase gamma, catalytic subunit; minus strand), POLGARF (POLG alternative reading frame; minus strand). Cytogenetic location: 15q26.1.
Variant type: single nucleotide variant.
Coding change: c.33C>T on transcript NM_002693.3 (MANE Select); coding-DNA position 33, C replaced by T.
Protein change: p.Gly11=; no amino-acid change (glycine 11 retained).
Molecular consequence: synonymous variant.
Genome position (GRCh38, 1-based): chr15:89,333,722, G>A on the plus strand (C>T on the coding strand, the complement: POLG is on the minus strand). VCF-style: chr15-89333722-G-A. GRCh37 (hg19) VCF-style: chr15-89876953-G-A.
Other names: c.33C>T, p.Gly11= (NM_001126131.2).
Identifiers: ClinVar variation 593990 (VCV000593990.16), dbSNP rs1482684558, ClinGen allele CA492290718.